The following is an entry in ClinVar:

NM_020911.2(PLXNA4):c.5668A>G (p.Met1890Val)

Gene: PLXNA4 (plexin A4; minus strand). Cytogenetic location: 7q32.3.
Variant type: single nucleotide variant.
Coding change: c.5668A>G on transcript NM_020911.2 (MANE Select); coding-DNA position 5668, A replaced by G.
Protein change: p.Met1890Val; replaces methionine 1890 with valine.
Molecular consequence: missense variant.
Genome position (GRCh38, 1-based): chr7:132,130,496, T>C on the plus strand (A>G on the coding strand, the complement: PLXNA4 is on the minus strand). VCF-style: chr7-132130496-T-C. GRCh37 (hg19) VCF-style: chr7-131815255-T-C.
Other names: c.5668A>G, p.Met1890Val (NM_001393897.1); short protein forms M1890V.
Identifiers: ClinVar variation 5001653 (VCV005001653.1).

ClinVar aggregate classification (germline): Uncertain significance (1 of 4 stars; one submission).

Conditions:
PLXNA4-related disorder. Also called: PLXNA4-related condition.

Submission:

PreventionGenetics, part of Exact Sciences
Classification: Uncertain significance for PLXNA4-related condition. Last evaluated: 2025-12-05. Review status: criteria provided, single submitter. Criteria: ACMG Guidelines, 2015. Collection method: clinical testing. Allele origin: germline.
Comment: The PLXNA4 c.5668A>G variant is predicted to result in the amino acid substitution p.Met1890Val. To our knowledge, this variant has not been reported in the literature or in a large population database (gnomAD), indicating this variant is rare. At this time, the clinical significance of this variant is uncertain due to the absence of conclusive functional and genetic evidence.